The following is an entry in ClinVar:

NM_000053.4(ATP7B):c.3598C>T (p.Gln1200Ter)

Gene: ATP7B (ATPase copper transporting beta; minus strand). Cytogenetic location: 13q14.3.
Variant type: single nucleotide variant.
Coding change: c.3598C>T on transcript NM_000053.4 (MANE Select); coding-DNA position 3598, C replaced by T.
Protein change: p.Gln1200Ter; replaces glutamine 1200 with a stop codon.
Molecular consequence: nonsense.
Genome position (GRCh38, 1-based): chr13:51,939,152, G>A on the plus strand (C>T on the coding strand, the complement: ATP7B is on the minus strand). VCF-style: chr13-51939152-G-A. GRCh37 (hg19) VCF-style: chr13-52513288-G-A.
Other names: c.2977C>T, p.Gln993Ter (NM_001005918.3); c.3265C>T, p.Gln1089Ter (NM_001243182.2); c.3364C>T, p.Gln1122Ter (NM_001330578.2); c.3346C>T, p.Gln1116Ter (NM_001330579.2); short protein forms Q1200*, Q1089*, Q993*, Q1116*, Q1122*.
Identifiers: ClinVar variation 189056 (VCV000189056.8), dbSNP rs786204658, ClinGen allele CA274326.

ClinVar aggregate classification (germline): Pathogenic/Likely pathogenic. Review status: criteria provided, multiple submitters, no conflicts (2 of 4 stars). 3 submissions from 3 submitters: Pathogenic (1); Likely pathogenic (1). 1 of the submissions does not count toward it. Last evaluated 2022-02-04.

Conditions:
Wilson disease (WND). Also called: Wilson's disease. Identifiers: Orphanet 905, MedGen C0019202, MONDO:0010200, OMIM 277900. Disease mechanism: loss of function.

Allele frequency attached by ClinVar (database versions not stated): TOPMed 0.00001.

Submissions (3):

Labcorp Genetics (formerly Invitae), Labcorp
Classification: Pathogenic for Wilson disease. Last evaluated: 2022-02-04. Review status: criteria provided, single submitter. Criteria: Invitae Variant Classification Sherloc (09022015). Collection method: clinical testing. Allele origin: germline.
Comment: For these reasons, this variant has been classified as Pathogenic. Algorithms developed to predict the effect of sequence changes on RNA splicing suggest that this variant may create or strengthen a splice site. ClinVar contains an entry for this variant (Variation ID: 189056). This premature translational stop signal has been observed in individual(s) with Wilson disease (PMID: 17317524). This variant is not present in population databases (gnomAD no frequency). This sequence change creates a premature translational stop signal (p.Gln1200*) in the ATP7B gene. It is expected to result in an absent or disrupted protein product. Loss-of-function variants in ATP7B are known to be pathogenic (PMID: 10441329, 16283883).

Women's Health and Genetics/Laboratory Corporation of America, LabCorp
Classification: Likely pathogenic for Wilson disease. Last evaluated: 2021-07-13. Review status: criteria provided, single submitter. Criteria: LabCorp Variant Classification Summary - May 2015. Collection method: clinical testing. Allele origin: germline.
Comment: Variant summary: ATP7B c.3598C>T (p.Gln1200X) results in a premature termination codon, predicted to cause a truncation of the encoded protein or absence of the protein due to nonsense mediated decay, which are commonly known mechanisms for disease. Truncations downstream of this position have been classified as pathogenic by our laboratory. The variant was absent in 249532 control chromosomes (gnomAD). c.3598C>T has been reported in the literature in a compound heterozygous individual affected with Wilson Disease (Chappuis_2007). To our knowledge, no experimental evidence demonstrating an impact on protein function has been reported. No clinical diagnostic laboratories have submitted clinical-significance assessments for this variant to ClinVar after 2014. Based on the evidence outlined above, the variant was classified as likely pathogenic.

Counsyl
Classification: Likely pathogenic for Wilson's disease. Last evaluated: 2014-11-11. Review status: no assertion criteria provided. Collection method: literature only. Allele origin: unknown. Inheritance: Autosomal recessive inheritance. Not counted in ClinVar's aggregate classification.

Literature cited by the submitters: PubMed 17317524 (cited by 3 submitters); PubMed 10441329 (cited by Labcorp Genetics (formerly Invitae), Labcorp); PubMed 16283883 (cited by Labcorp Genetics (formerly Invitae), Labcorp); PubMed 23235335 (cited by Women's Health and Genetics/Laboratory Corporation of America, LabCorp); PubMed 29649982 (cited by Women's Health and Genetics/Laboratory Corporation of America, LabCorp); PubMed 31059521 (cited by Women's Health and Genetics/Laboratory Corporation of America, LabCorp).